The following is an entry in ClinVar:

NM_005555.4(KRT6B):c.951C>T (p.Ser317=)

Gene: KRT6B (keratin 6B; minus strand). Cytogenetic location: 12q13.13.
Variant type: single nucleotide variant.
Coding change: c.951C>T on transcript NM_005555.4 (MANE Select); coding-DNA position 951, C replaced by T.
Protein change: p.Ser317=; no amino-acid change (serine 317 retained).
Molecular consequence: synonymous variant.
Genome position (GRCh38, 1-based): chr12:52,449,595, G>A on the plus strand (C>T on the coding strand, the complement: KRT6B is on the minus strand). VCF-style: chr12-52449595-G-A. GRCh37 (hg19) VCF-style: chr12-52843379-G-A.
Identifiers: ClinVar variation 731883 (VCV000731883.8), dbSNP rs377079859, ClinGen allele CA6580598.

ClinVar aggregate classification (germline): Likely benign. Review status: criteria provided, single submitter (1 of 4 stars). 2 submissions from 2 submitters: Likely benign (1). 1 of the submissions does not count toward it. Last evaluated 2025-01-20.

Conditions:
KRT6B-related disorder. Also called: KRT6B-related condition.

Allele frequency attached by ClinVar (database versions not stated): gnomAD exomes 0.00014; TOPMed 0.00014; ExAC 0.00008; gnomAD 0.00010.
gnomAD v4.1: 142 of 1,614,090 alleles (0.0088%); highest among the groups gnomAD compares: Admixed American, 0.073%; no homozygotes.

Submissions (2):

Labcorp Genetics (formerly Invitae), Labcorp
Classification: Likely benign. Last evaluated: 2025-01-20. Review status: criteria provided, single submitter. Criteria: Invitae Variant Classification Sherloc (09022015). Collection method: clinical testing. Allele origin: germline.

PreventionGenetics, part of Exact Sciences
Classification: Likely benign for KRT6B-related condition. Last evaluated: 2019-09-26. Review status: no assertion criteria provided. Collection method: clinical testing. Allele origin: germline. Not counted in ClinVar's aggregate classification.
Comment: This variant is classified as likely benign based on ACMG/AMP sequence variant interpretation guidelines (Richards et al. 2015 PMID: 25741868, with internal and published modifications).